The following is an entry in ClinVar:

ClinVar aggregate classification (germline): Pathogenic/Likely pathogenic. Review status: criteria provided, multiple submitters, no conflicts (2 of 4 stars). 8 submissions from 8 submitters: Pathogenic (6); Likely pathogenic (1). 1 of the submissions does not count toward it. Last evaluated 2025-09-16.

Conditions:
GPSM2-related disorder. Also called: GPSM2-related disorders; GPSM2-related condition.
Rare genetic deafness. Identifiers: Orphanet 96210, MedGen C5680250.
Chudley-McCullough syndrome (CMCS). Also called: DEAFNESS, SENSORINEURAL, WITH PARTIAL AGENESIS OF THE CORPUS CALLOSUM AND ARACHNOID CYSTS; Deafness, autosomal recessive 82. Identifiers: Orphanet 314597, MedGen C1858695, MONDO:0011411, OMIM 604213.

Submissions (8):

First Genomix Gene Laboratory, Genetic Diagnostics Department
Classification: Likely pathogenic for Chudley-McCullough syndrome. Last evaluated: 2025-09-16. Review status: criteria provided, single submitter. Criteria: ACMG Guidelines, 2015. Collection method: clinical testing. Allele origin: germline. Inheritance: Autosomal recessive inheritance. Affected: no. Observed: 1 variant allele.

Blueprint Genetics
Classification: Pathogenic for GPSM2-related disorders. Last evaluated: 2024-11-06. Review status: criteria provided, single submitter. Criteria: ACMG Guidelines, 2015. Collection method: clinical testing. Allele origin: germline. Affected: yes. Observed: 5 variant alleles.

GeneDx
Classification: Pathogenic. Last evaluated: 2022-11-30. Review status: criteria provided, single submitter. Criteria: GeneDx Variant Classification Process June 2021. Collection method: clinical testing. Allele origin: germline. Affected: yes.
Comment: Frameshift variant predicted to result in protein truncation or nonsense mediated decay in a gene for which loss-of-function is a known mechanism of disease; Not observed at significant frequency in large population cohorts (gnomAD); This variant is associated with the following publications: (PMID: 23208854, 22578326, 27180139, 23494849, 32445360, 28555434)

Labcorp Genetics (formerly Invitae), Labcorp
Classification: Pathogenic. Last evaluated: 2022-11-10. Review status: criteria provided, single submitter. Criteria: Invitae Variant Classification Sherloc (09022015). Collection method: clinical testing. Allele origin: germline.
Comment: This sequence change creates a premature translational stop signal (p.Phe492Serfs*5) in the GPSM2 gene. It is expected to result in an absent or disrupted protein product. Loss-of-function variants in GPSM2 are known to be pathogenic (PMID: 22578326, 22987632). The frequency data for this variant in the population databases is considered unreliable, as metrics indicate poor data quality at this position in the gnomAD database. This premature translational stop signal has been observed in individual(s) with hearing loss (PMID: 23208854). ClinVar contains an entry for this variant (Variation ID: 291707). For these reasons, this variant has been classified as Pathogenic.

Illumina Laboratory Services, Illumina
Classification: Pathogenic for GPSM2-Related Disorders. Last evaluated: 2017-04-27. Review status: criteria provided, single submitter. Criteria: ICSL Variant Classification Criteria 09 May 2019. Collection method: clinical testing. Allele origin: germline.
Comment: The GPSM2 c.1473delG (p.Phe492SerfsTer5) variant, also referred to as c.1471delG, results in a frameshift and is predicted to cause a premature truncation of the protein. The p.Phe492SerfsTer5 variant has been reported in three studies in which it is found in a homozygous state in a total of nine patients with GPSM2-related disorders, including in eight individuals (including two sibling pairs) with Chudley-McCullough syndrome (CMS), and in one individual with a recessive form of nonsyndromic hearing loss (Doherty et al. 2012; Schrauwen et al. 2013; Almomani et al. 2013). The p.Phe492SerfsTer5 variant was absent from a single control and is reported at a frequency of 0.00003 in the European (non-Finnish) population of the Exome Aggregation Consortium, though this is based on only two alleles so it is presumed to be rare. Due to the potential impact of frameshift variants and supporting evidence from the literature, this variant is classified as pathogenic for GPSM2-related disorders. This variant was observed by ICSL as part of a predisposition screen in an ostensibly healthy population.

Laboratory for Molecular Medicine, Mass General Brigham Personalized Medicine
Classification: Pathogenic for Rare genetic deafness. Last evaluated: 2016-06-09. Review status: criteria provided, single submitter. Criteria: LMM Criteria. Collection method: clinical testing. Allele origin: germline. Inheritance: Autosomal recessive inheritance. Observed: 2 variant alleles.
Comment: The p.Phe492fs variant in GPSM2 has been previously reported in 6 homozygous ind ividuals with Chudley McCullough syndrome (CMS) and 1 homozygous individual with sensorineural hearing loss, and it segregated in two affected siblings (Almoman i 2013, Doherty 2012, Hendriks 1999, Schrauwen 2013). CMS is characterized by s ensorineural hearing loss, typically in the severe to profound range, with chara cteristic abnormalities on brain MRI. Despite the brain abnormalities found on i maging, individuals with CMS do not typically have cognitive or developmental ab normalities. This variant is predicted to cause a frameshift, which alters the protein?s amino acid sequence beginning at position 492 and leads to a premature termination codon 5 amino acids downstream. This alteration is then predicted t o lead to a truncated or absent protein. In summary, this variant meets our crit eria to be classified as pathogenic for Chudley McCullough syndrome in an autoso mal recessive manner based on the predicted impact of the variant and previously reported affected individuals.

Center for Pediatric Genomic Medicine, Children's Mercy Hospital and Clinics
Classification: Pathogenic. Last evaluated: 2016-05-06. Review status: criteria provided, single submitter. Criteria: ACMG Guidelines, 2015. Collection method: clinical testing. Allele origin: germline.

OMIM
Classification: Pathogenic for CHUDLEY-MCCULLOUGH SYNDROME. Last evaluated: 2012-06-08. Review status: no assertion criteria provided. Collection method: literature only. Allele origin: germline. Not counted in ClinVar's aggregate classification.

Literature cited by the submitters: PubMed 22578326 (cited by 4 submitters); PubMed 22987632 (cited by Labcorp Genetics (formerly Invitae), Labcorp); PubMed 23208854 (cited by 3 submitters); PubMed 23494849 (cited by Illumina Laboratory Services, Illumina and Laboratory for Molecular Medicine, Mass General Brigham Personalized Medicine); PubMed 10449658 (cited by Laboratory for Molecular Medicine, Mass General Brigham Personalized Medicine).

NM_013296.5(GPSM2):c.1473del (p.Phe492fs)

Gene: GPSM2 (G protein signaling modulator 2; plus strand). Cytogenetic location: 1p13.3.
Variant type: Deletion.
Coding change: c.1473del on transcript NM_013296.5 (MANE Select); coding-DNA position 1473, one base deleted (G; older notation c.1473delG).
Protein change: p.Phe492fs; shifts the reading frame from phenylalanine 492.
Molecular consequence: frameshift variant.
Genome position (GRCh38, 1-based): chr1:108,922,449, G deleted; the last of 3 consecutive G bases (chr1:108,922,447-108,922,449); deleting any one gives the same sequence. VCF-style (leftmost placement, unchanged base first): chr1-108922446-AG-A. GRCh37 (hg19) VCF-style: chr1-109465068-AG-A.
Other names: c.1473del, p.Phe492fs (NM_001321038.2, NM_001321039.3); c.1473delG (NM_013296.4); short protein forms F492fs.
Identifiers: ClinVar variation 291707 (VCV000291707.15), dbSNP rs772372530, ClinGen allele CA983068.